The following is an entry in ClinVar:

ClinVar aggregate classification (germline): Pathogenic (1 of 4 stars; one submission).

Submission:

Labcorp Genetics (formerly Invitae), Labcorp
Classification: Pathogenic. Last evaluated: 2023-03-26. Review status: criteria provided, single submitter. Criteria: Invitae Variant Classification Sherloc (09022015). Collection method: clinical testing. Allele origin: germline.
Comment: This sequence change creates a premature translational stop signal (p.Val33Trpfs*15) in the MCPH1 gene. It is expected to result in an absent or disrupted protein product. Loss-of-function variants in MCPH1 are known to be pathogenic (PMID: 20978018). This variant is not present in population databases (gnomAD no frequency). This variant has not been reported in the literature in individuals affected with MCPH1-related conditions. For these reasons, this variant has been classified as Pathogenic.

Literature cited by the submitters: PubMed 20978018.

NM_024596.5(MCPH1):c.94del (p.Val33fs)

Gene: MCPH1 (microcephalin 1; plus strand). Cytogenetic location: 8p23.1.
Variant type: Deletion.
Coding change: c.94del on transcript NM_024596.5 (MANE Select); coding-DNA position 94, one base deleted (C; older notation c.94delC).
Protein change: p.Val33fs; shifts the reading frame from valine 33.
Molecular consequence: frameshift variant. On other transcripts: 5 prime UTR variant (1), non-coding transcript variant (1).
Genome position (GRCh38, 1-based): chr8:6,409,350, C deleted. VCF-style (leftmost placement, unchanged base first): chr8-6409349-GC-G. GRCh37 (hg19) VCF-style: chr8-6266870-GC-G.
Other names: c.94del, p.Val33fs (NM_001172574.2, NM_001172575.2, NM_001322042.2 and 4 more transcripts); c.88del, p.Val31fs (NM_001322043.2); c.-9del (NM_001322045.2); short protein forms V31fs, V33fs.
Identifiers: ClinVar variation 2849903 (VCV002849903.3), dbSNP rs2486077623, ClinGen allele CA2739279861.